The following is an entry in ClinVar:

ClinVar aggregate classification (germline): Uncertain significance. Review status: criteria provided, multiple submitters, no conflicts (2 of 4 stars). 3 submissions from 3 submitters: Uncertain significance (3). Last evaluated 2025-07-14.

Conditions:
Inborn genetic diseases. Identifiers: MedGen C0950123, MeSH D030342.

Allele frequency attached by ClinVar (database versions not stated): gnomAD 0.00005; TOPMed 0.00006.
gnomAD v4.1: 21 of 1,614,044 alleles (0.0013%); highest among the groups gnomAD compares: African/African-American, 0.027%; no homozygotes.

Submissions (3):

Labcorp Genetics (formerly Invitae), Labcorp
Classification: Uncertain significance. Last evaluated: 2025-07-14. Review status: criteria provided, single submitter. Criteria: Invitae Variant Classification Sherloc (09022015). Collection method: clinical testing. Allele origin: germline.
Comment: This sequence change replaces arginine, which is basic and polar, with glycine, which is neutral and non-polar, at codon 1688 of the TRRAP protein (p.Arg1688Gly). This variant is present in population databases (no rsID available, gnomAD 0.02%). This variant has not been reported in the literature in individuals affected with TRRAP-related conditions. ClinVar contains an entry for this variant (Variation ID: 1809820). An algorithm developed to predict the effect of missense changes on protein structure and function (PolyPhen-2) suggests that this variant is likely to be tolerated. In summary, the available evidence is currently insufficient to determine the role of this variant in disease. Therefore, it has been classified as a Variant of Uncertain Significance.

Ambry Genetics
Classification: Uncertain significance for Inborn genetic diseases. Last evaluated: 2024-09-03. Review status: criteria provided, single submitter. Criteria: Ambry Variant Classification Scheme 2023. Collection method: clinical testing. Allele origin: germline.

GeneDx
Classification: Uncertain significance. Last evaluated: 2022-07-01. Review status: criteria provided, single submitter. Criteria: GeneDx Variant Classification Process June 2021. Collection method: clinical testing. Allele origin: germline. Affected: yes.
Comment: In silico analysis supports that this missense variant has a deleterious effect on protein structure/function; Has not been previously published as pathogenic or benign to our knowledge

NM_001375524.1(TRRAP):c.5137A>G (p.Arg1713Gly)

Genes: TRRAP (transformation/transcription domain associated protein; plus strand), LOC126860121 (MED14-independent group 3 enhancer GRCh37_chr7:98547245-98548444; plus strand). Cytogenetic location: 7q22.1.
Variant type: single nucleotide variant.
Coding change: c.5137A>G on transcript NM_001375524.1 (MANE Select); coding-DNA position 5137, A replaced by G.
Protein change: p.Arg1713Gly; replaces arginine 1713 with glycine.
Molecular consequence: missense variant.
Genome position (GRCh38, 1-based): chr7:98,950,065, A>G. VCF-style: chr7-98950065-A-G. GRCh37 (hg19) VCF-style: chr7-98547688-A-G.
Other names: c.5116A>G, p.Arg1706Gly (NM_001244580.2); c.5062A>G, p.Arg1688Gly (NM_003496.4); c.5116A>G (NM_001244580.1); short protein forms R1688G, R1706G, R1713G.
Identifiers: ClinVar variation 1809820 (VCV001809820.5), dbSNP rs1291628857, ClinGen allele CA368315935.